The following is an entry in ClinVar:

NM_002025.4(AFF2):c.95G>A (p.Arg32Gln)

Gene: AFF2 (ALF transcription elongation factor 2; plus strand). Cytogenetic location: Xq28.
Variant type: single nucleotide variant.
Coding change: c.95G>A on transcript NM_002025.4 (MANE Select); coding-DNA position 95, G replaced by A.
Protein change: p.Arg32Gln; replaces arginine 32 with glutamine.
Molecular consequence: missense variant.
Genome position (GRCh38, 1-based): chrX:148,652,046, G>A. VCF-style: chrX-148652046-G-A. GRCh37 (hg19) VCF-style: chrX-147733567-G-A.
Other names: c.95G>A, p.Arg32Gln (NM_001169122.2, NM_001169123.2, NM_001169124.2 and 1 more transcripts); short protein forms R32Q.
Identifiers: ClinVar variation 1676336 (VCV001676336.3), dbSNP rs782129403, ClinGen allele CA10536749.

ClinVar aggregate classification (germline): Uncertain significance (1 of 4 stars; one submission).

gnomAD v4.1: 5 of 1,202,185 alleles (0.00042%); highest among the groups gnomAD compares: South Asian, 0.0053%; 1 homozygote.

Submission:

GeneDx
Classification: Uncertain significance. Last evaluated: 2023-06-06. Review status: criteria provided, single submitter. Criteria: GeneDx Variant Classification Process June 2021. Collection method: clinical testing. Allele origin: germline. Affected: yes.
Comment: Not observed at significant frequency in large population cohorts (gnomAD); In silico analysis supports that this missense variant has a deleterious effect on protein structure/function; Has not been previously published as pathogenic or benign to our knowledge